The following is an entry in ClinVar:

ClinVar aggregate classification (germline): Benign. Review status: criteria provided, multiple submitters, no conflicts (2 of 4 stars). 5 submissions from 5 submitters: Benign (5). Last evaluated 2026-02-02.

Conditions:
Hennekam lymphangiectasia-lymphedema syndrome 1 (HKLLS1). Also called: LYMPHATIC DYSPLASIA, GENERALIZED. Identifiers: Orphanet 2136, MedGen C4012050, MONDO:0009337, OMIM 235510.

Allele frequency attached by ClinVar (database versions not stated): 1000 Genomes Project 0.00419; 1000 Genomes Project 30x 0.00437; TOPMed 0.01001; gnomAD 0.01156 and 0.01198; gnomAD exomes 0.01207 and 0.01650; ExAC 0.01277; ESP Exome Variant Server 0.01376.
gnomAD v4.1: 25,649 of 1,614,160 alleles (1.6%); highest among the groups gnomAD compares: Non-Finnish European, 2%; 252 homozygotes.

Submissions (5):

Labcorp Genetics (formerly Invitae), Labcorp
Classification: Benign. Last evaluated: 2026-02-02. Review status: criteria provided, single submitter. Criteria: Invitae Variant Classification Sherloc (09022015). Collection method: clinical testing. Allele origin: germline.

ARUP Laboratories, Molecular Genetics and Genomics, ARUP Laboratories
Classification: Benign for Hennekam lymphangiectasia-lymphedema syndrome 1. Last evaluated: 2023-11-29. Review status: criteria provided, single submitter. Criteria: ARUP Molecular Germline Variant Investigation Process 2024. Collection method: clinical testing. Allele origin: germline.

Illumina Laboratory Services, Illumina
Classification: Benign for Hennekam lymphangiectasia-lymphedema syndrome 1. Last evaluated: 2018-01-13. Review status: criteria provided, single submitter. Criteria: ICSL Variant Classification Criteria 13 December 2019. Collection method: clinical testing. Allele origin: germline.
Comment: This variant was observed in the ICSL laboratory as part of a predisposition screen in an ostensibly healthy population. It had not been previously curated by ICSL or reported in the Human Gene Mutation Database (HGMD: prior to June 1st, 2018), and was therefore a candidate for classification through an automated scoring system. Utilizing variant allele frequency, disease prevalence and penetrance estimates, and inheritance mode, an automated score was calculated to assess if this variant is too frequent to cause the disease. Based on the score and internal cut-off values, a variant classified as benign is not then subjected to further curation. The score for this variant resulted in a classification of benign for this disease.

Breakthrough Genomics
Classification: Benign. Review status: criteria provided, single submitter. Criteria: ACMG Guidelines, 2015. Collection method: not provided. Allele origin: germline. Inheritance: Autosomal recessive inheritance. Affected: yes.

PreventionGenetics, part of Exact Sciences
Classification: Benign. Review status: criteria provided, single submitter. Criteria: ACMG Guidelines, 2015. Collection method: clinical testing. Allele origin: germline.

NM_133459.4(CCBE1):c.837C>T (p.Pro279=)

Gene: CCBE1 (collagen and calcium binding EGF domains 1; minus strand). Cytogenetic location: 18q21.32.
Variant type: single nucleotide variant.
Coding change: c.837C>T on transcript NM_133459.4 (MANE Select); coding-DNA position 837, C replaced by T.
Protein change: p.Pro279=; no amino-acid change (proline 279 retained).
Molecular consequence: synonymous variant.
Genome position (GRCh38, 1-based): chr18:59,439,755, G>A on the plus strand (C>T on the coding strand, the complement: CCBE1 is on the minus strand). VCF-style: chr18-59439755-G-A. GRCh37 (hg19) VCF-style: chr18-57106987-G-A.
Other names: c.837C>T, p.Pro279= (LRG_1209t1).
Identifiers: ClinVar variation 262356 (VCV000262356.25), dbSNP rs61745250, ClinGen allele CA8980318.